The following is an entry in ClinVar:

NM_003924.4(PHOX2B):c.429+1G>A

Gene: PHOX2B (paired like homeobox 2B; minus strand). Cytogenetic location: 4p13.
Variant type: single nucleotide variant.
Coding change: c.429+1G>A on transcript NM_003924.4 (MANE Select); the canonical splice donor site of the intron after coding-DNA position 429, G replaced by A.
Molecular consequence: splice donor variant.
Genome position (GRCh38, 1-based): chr4:41,747,348, C>T on the plus strand (G>A on the coding strand, the complement: PHOX2B is on the minus strand). VCF-style: chr4-41747348-C-T. GRCh37 (hg19) VCF-style: chr4-41749365-C-T.
Identifiers: ClinVar variation 1739425 (VCV001739425.2), dbSNP rs2552097008, ClinGen allele CA356739712.

ClinVar aggregate classification (germline): Likely pathogenic (1 of 4 stars; one submission).

Conditions:
Hereditary cancer-predisposing syndrome. Also called: Hereditary Cancer Syndrome; Hereditary neoplastic syndrome; Neoplastic Syndromes, Hereditary; Tumor predisposition. Identifiers: Orphanet 140162, MedGen C0027672, MeSH D009386, MONDO:0015356.

Submission:

Ambry Genetics
Classification: Likely pathogenic for Hereditary cancer-predisposing syndrome. Last evaluated: 2019-09-17. Review status: criteria provided, single submitter. Criteria: Ambry Variant Classification Scheme 2023. Collection method: clinical testing. Allele origin: germline.
Comment: The c.429+1G>A intronic variant results from a G to A substitution one nucleotide after coding exon 2 of the PHOX2B gene. This nucleotide position is highly conserved in available vertebrate species. Using the BDGP and ESEfinder splice site prediction tools, this alteration is predicted to abolish the native splice donor site; however, direct evidence is unavailable. Alterations that disrupt the canonical splice site are expected to cause aberrant splicing, resulting in an abnormal protein or a transcript that is subject to nonsense-mediated mRNA decay. As such, this alteration is classified as likely pathogenic.